The following is an entry in ClinVar:

ClinVar aggregate classification (germline): Uncertain significance (1 of 4 stars; one submission).

Submission:

Labcorp Genetics (formerly Invitae), Labcorp
Classification: Uncertain significance. Last evaluated: 2024-04-05. Review status: criteria provided, single submitter. Criteria: Invitae Variant Classification Sherloc (09022015). Collection method: clinical testing. Allele origin: germline.
Comment: This sequence change replaces leucine, which is neutral and non-polar, with arginine, which is basic and polar, at codon 1123 of the LRP5 protein (p.Leu1123Arg). This variant is not present in population databases (gnomAD no frequency). This variant has not been reported in the literature in individuals affected with LRP5-related conditions. ClinVar contains an entry for this variant (Variation ID: 2114614). Advanced modeling of protein sequence and biophysical properties (such as structural, functional, and spatial information, amino acid conservation, physicochemical variation, residue mobility, and thermodynamic stability) performed at Invitae indicates that this missense variant is not expected to disrupt LRP5 protein function with a negative predictive value of 95%. In summary, the available evidence is currently insufficient to determine the role of this variant in disease. Therefore, it has been classified as a Variant of Uncertain Significance.

NM_002335.4(LRP5):c.3368T>G (p.Leu1123Arg)

Gene: LRP5 (LDL receptor related protein 5; plus strand). Cytogenetic location: 11q13.2.
Variant type: single nucleotide variant.
Coding change: c.3368T>G on transcript NM_002335.4 (MANE Select); coding-DNA position 3368, T replaced by G.
Protein change: p.Leu1123Arg; replaces leucine 1123 with arginine.
Molecular consequence: missense variant.
Genome position (GRCh38, 1-based): chr11:68,425,233, T>G. VCF-style: chr11-68425233-T-G. GRCh37 (hg19) VCF-style: chr11-68192701-T-G.
Other names: c.1625T>G, p.Leu542Arg (NM_001291902.2); short protein forms L542R, L1123R.
Identifiers: ClinVar variation 2114614 (VCV002114614.4), dbSNP rs137928647, ClinGen allele CA381621535.
Genomic context (GRCh38, chr11:68,425,233, plus strand): 5'-GCGAGGTCCTCTTCACCACCGGCCTCATCCGCCCTGTGGCCCTGGTGGTGGACAACACAC[T>G]GGGCAAGCTGTTCTGGGTGGACGCGGACCTGAAGCGCATTGAGAGCTGTGACCTGTCAGG-3'
Protein context (NP_002326.2, residues 1113-1133): RPVALVVDNT[Leu1123Arg]GKLFWVDADL